The following is an entry in ClinVar:

ClinVar aggregate classification (germline): Uncertain significance. Review status: criteria provided, single submitter (1 of 4 stars). 2 submissions from 2 submitters: Uncertain significance (1). 1 of the submissions does not count toward it. Last evaluated 2021-01-05.

Conditions:
Hereditary cancer-predisposing syndrome. Also called: Neoplastic Syndromes, Hereditary; Tumor predisposition; Hereditary neoplastic syndrome; Hereditary Cancer Syndrome. Identifiers: Orphanet 140162, MedGen C0027672, MeSH D009386, MONDO:0015356.
Breast-ovarian cancer, familial, susceptibility to, 2 (BROVCA2). Also called: BRCA2 Hereditary Breast and Ovarian Cancer. Identifiers: Orphanet 145, MedGen C2675520, MONDO:0012933, OMIM 612555. Disease mechanism: loss of function.

Allele frequency attached by ClinVar (database versions not stated): gnomAD exomes below 0.00001; ExAC 0.00001.
gnomAD v4.1: 2 of 1,614,112 alleles (0.00012%); highest among the groups gnomAD compares: South Asian, 0.0011%; no homozygotes.

Submissions (2):

Color Diagnostics, LLC DBA Color Health
Classification: Uncertain significance for Hereditary cancer-predisposing syndrome. Last evaluated: 2021-01-05. Review status: criteria provided, single submitter. Criteria: ACMG Guidelines, 2015. Collection method: clinical testing. Allele origin: germline.
Comment: This missense variant replaces threonine with alanine at codon 2399 of the BRCA2 protein. Computational prediction suggests that this variant may not impact protein structure and function (internally defined REVEL score threshold <= 0.5, PMID: 27666373). To our knowledge, functional studies have not been reported for this variant. This variant has been reported in individuals affected with breast/ovarian cancer but co-occurring with a known pathogenic BRCA1 variant (PMID: 28740454). This variant has been identified in 1/251328 chromosomes in the general population by the Genome Aggregation Database (gnomAD). The available evidence is insufficient to determine the role of this variant in disease conclusively. Therefore, this variant is classified as a Variant of Uncertain Significance.

Breast Cancer Information Core (BIC) (BRCA2)
Classification: Uncertain significance for Breast-ovarian cancer, familial 2. Last evaluated: 2003-12-23. Review status: no assertion criteria provided. Collection method: clinical testing. Allele origin: germline. Affected: yes. Observed: 1 variant allele. Not counted in ClinVar's aggregate classification.

NM_000059.4(BRCA2):c.7195A>G (p.Thr2399Ala)

Gene: BRCA2 (BRCA2 DNA repair associated; plus strand). Cytogenetic location: 13q13.1.
Variant type: single nucleotide variant.
Coding change: c.7195A>G on transcript NM_000059.4 (MANE Select); coding-DNA position 7195, A replaced by G.
Protein change: p.Thr2399Ala; replaces threonine 2399 with alanine.
Molecular consequence: missense variant.
Genome position (GRCh38, 1-based): chr13:32,355,048, A>G. VCF-style: chr13-32355048-A-G. GRCh37 (hg19) VCF-style: chr13-32929185-A-G.
Other names: short protein forms T2399A.
Identifiers: ClinVar variation 52284 (VCV000052284.4), dbSNP rs80358948, ClinGen allele CA024949.